The following is an entry in ClinVar:

ClinVar aggregate classification (germline): Uncertain significance (1 of 4 stars; one submission).

Conditions:
Charcot-Marie-Tooth disease type 2. Also called: Charcot-Marie-Tooth type 2. Identifiers: Orphanet 64746, MedGen C0270914, MONDO:0018993.

Submission:

Labcorp Genetics (formerly Invitae), Labcorp
Classification: Uncertain significance for Charcot-Marie-Tooth disease type 2. Last evaluated: 2021-12-23. Review status: criteria provided, single submitter. Criteria: Invitae Variant Classification Sherloc (09022015). Collection method: clinical testing. Allele origin: germline.
Comment: This sequence change replaces methionine, which is neutral and non-polar, with leucine, which is neutral and non-polar, at codon 198 of the MFN2 protein (p.Met198Leu). This variant is not present in population databases (gnomAD no frequency). This variant has not been reported in the literature in individuals affected with MFN2-related conditions. Advanced modeling of protein sequence and biophysical properties (such as structural, functional, and spatial information, amino acid conservation, physicochemical variation, residue mobility, and thermodynamic stability) performed at Invitae indicates that this missense variant is not expected to disrupt MFN2 protein function. In summary, the available evidence is currently insufficient to determine the role of this variant in disease. Therefore, it has been classified as a Variant of Uncertain Significance.

NM_014874.4(MFN2):c.592A>C (p.Met198Leu)

Gene: MFN2 (mitofusin 2; plus strand). Cytogenetic location: 1p36.22.
Variant type: single nucleotide variant.
Coding change: c.592A>C on transcript NM_014874.4 (MANE Select); coding-DNA position 592, A replaced by C.
Protein change: p.Met198Leu; replaces methionine 198 with leucine.
Molecular consequence: missense variant.
Genome position (GRCh38, 1-based): chr1:11,997,414, A>C. VCF-style: chr1-11997414-A-C. GRCh37 (hg19) VCF-style: chr1-12057471-A-C.
Other names: c.592A>C, p.Met198Leu (NM_001127660.2); short protein forms M198L.
Identifiers: ClinVar variation 2054916 (VCV002054916.4), dbSNP rs1569835123, ClinGen allele CA338437066.